The following is an entry in ClinVar:

ClinVar aggregate classification (germline): Uncertain significance (1 of 4 stars; one submission).

Allele frequency attached by ClinVar (database versions not stated): gnomAD exomes 0.00001; ExAC 0.00002; gnomAD 0.00002; TOPMed 0.00002; ESP Exome Variant Server 0.00008.
gnomAD v4.1: 18 of 1,614,038 alleles (0.0011%); highest among the groups gnomAD compares: Non-Finnish European, 0.0014%; no homozygotes.

Submission:

Labcorp Genetics (formerly Invitae), Labcorp
Classification: Uncertain significance. Last evaluated: 2023-12-01. Review status: criteria provided, single submitter. Criteria: Invitae Variant Classification Sherloc (09022015). Collection method: clinical testing. Allele origin: germline.
Comment: This sequence change replaces arginine, which is basic and polar, with histidine, which is basic and polar, at codon 598 of the RERE protein (p.Arg598His). This variant is present in population databases (rs373272022, gnomAD 0.002%). This missense change has been observed in individual(s) with RERE-related conditions (PMID: 31785789). Advanced modeling of protein sequence and biophysical properties (such as structural, functional, and spatial information, amino acid conservation, physicochemical variation, residue mobility, and thermodynamic stability) has been performed at Invitae for this missense variant, however the output from this modeling did not meet the statistical confidence thresholds required to predict the impact of this variant on RERE protein function. In summary, the available evidence is currently insufficient to determine the role of this variant in disease. Therefore, it has been classified as a Variant of Uncertain Significance.

Literature cited by the submitters: PubMed 31785789.

NM_001042681.2(RERE):c.1793G>A (p.Arg598His)

Gene: RERE (arginine-glutamic acid dipeptide repeats; minus strand). Cytogenetic location: 1p36.23.
Variant type: single nucleotide variant.
Coding change: c.1793G>A on transcript NM_001042681.2 (MANE Select); coding-DNA position 1793, G replaced by A.
Protein change: p.Arg598His; replaces arginine 598 with histidine.
Molecular consequence: missense variant.
Genome position (GRCh38, 1-based): chr1:8,362,792, C>T on the plus strand (G>A on the coding strand, the complement: RERE is on the minus strand). VCF-style: chr1-8362792-C-T. GRCh37 (hg19) VCF-style: chr1-8422852-C-T.
Other names: c.131G>A, p.Arg44His (NM_001042682.2); c.1793G>A, p.Arg598His (NM_012102.4); short protein forms R44H, R598H.
Identifiers: ClinVar variation 2814215 (VCV002814215.3), dbSNP rs373272022, ClinGen allele CA571547.